The following is an entry in ClinVar:

NM_001127898.4(CLCN5):c.2249G>A (p.Arg750Gln)

Genes: CLCN5 (Cl-/H+ antiporter 5; plus strand), LOC126863258 (BRD4-independent group 4 enhancer GRCh37_chrX:49854497-49855696; plus strand). Cytogenetic location: Xp11.23.
Variant type: single nucleotide variant.
Coding change: c.2249G>A on transcript NM_001127898.4 (MANE Select); coding-DNA position 2249, G replaced by A.
Protein change: p.Arg750Gln; replaces arginine 750 with glutamine.
Molecular consequence: missense variant.
Genome position (GRCh38, 1-based): chrX:50,090,775, G>A. VCF-style: chrX-50090775-G-A. GRCh37 (hg19) VCF-style: chrX-49855432-G-A.
Other names: c.2039G>A, p.Arg680Gln (NM_000084.5); c.2249G>A, p.Arg750Gln (NM_001127899.4); c.2099G>A, p.Arg700Gln (NM_001282163.2); short protein forms R750Q, R700Q, R680Q.
Identifiers: ClinVar variation 1913276 (VCV001913276.6), dbSNP rs1445078592, ClinGen allele CA413190990.

ClinVar aggregate classification (germline): Uncertain significance. Review status: criteria provided, multiple submitters, no conflicts (2 of 4 stars). 2 submissions from 2 submitters: Uncertain significance (2). Last evaluated 2026-01-06.

Conditions:
Proteinuria, low molecular weight, with hypercalciuria and nephrocalcinosis. Identifiers: Orphanet 1652, Orphanet 93622, MedGen C1839874, MONDO:0010644, OMIM 308990.
Hypophosphatemic rickets, X-linked recessive (XLHRR). Identifiers: Orphanet 1652, Orphanet 93622, MedGen C1845168, MONDO:0010358, OMIM 300554.
Dent disease type 1 (DENT1). Also called: NEPHROLITHIASIS 2; NEPHROLITHIASIS, HYPERCALCIURIC, X-LINKED. Identifiers: Orphanet 1652, Orphanet 93622, MedGen C1848336, MONDO:0010225, OMIM 300009.
X-linked recessive nephrolithiasis with renal failure (XRN). Also called: NEPHROLITHIASIS 1; NEPHROLITHIASIS, X-LINKED RECESSIVE, TYPE 1; UROLITHIASIS, X-LINKED RECESSIVE, TYPE 1. Identifiers: Orphanet 1652, Orphanet 93622, MedGen C0403720, MONDO:0010687, OMIM 310468.

Allele frequency attached by ClinVar (database versions not stated): gnomAD exomes below 0.00001; TOPMed 0.00002; gnomAD 0.00004.
gnomAD v4.1: 9 of 1,208,814 alleles (0.00074%); highest among the groups gnomAD compares: African/African-American, 0.0035%; no homozygotes.

Submissions (2):

Labcorp Genetics (formerly Invitae), Labcorp
Classification: Uncertain significance. Last evaluated: 2026-01-06. Review status: criteria provided, single submitter. Criteria: Invitae Variant Classification Sherloc (09022015). Collection method: clinical testing. Allele origin: germline.
Comment: This sequence change replaces arginine, which is basic and polar, with glutamine, which is neutral and polar, at codon 680 of the CLCN5 protein (p.Arg680Gln). This variant is present in population databases (no rsID available, gnomAD 0.006%). This variant has not been reported in the literature in individuals affected with CLCN5-related conditions. ClinVar contains an entry for this variant (Variation ID: 1913276). Invitae Evidence Modeling of protein sequence and biophysical properties (such as structural, functional, and spatial information, amino acid conservation, physicochemical variation, residue mobility, and thermodynamic stability) indicates that this missense variant is not expected to disrupt CLCN5 protein function with a negative predictive value of 80%. In summary, the available evidence is currently insufficient to determine the role of this variant in disease. Therefore, it has been classified as a Variant of Uncertain Significance.

Fulgent Genetics
Classification: Uncertain significance for Dent disease type 1; Hypophosphatemic rickets, X-linked recessive; Proteinuria, low molecular weight, with hypercalciuria and nephrocalcinosis; X-linked recessive nephrolithiasis with renal failure. Last evaluated: 2024-04-26. Review status: criteria provided, single submitter. Criteria: ACMG Guidelines, 2015. Collection method: clinical testing. Allele origin: germline.